The following is an entry in ClinVar:

ClinVar aggregate classification (germline): Likely benign (1 of 4 stars; one submission).

Allele frequency attached by ClinVar (database versions not stated): ExAC 0.00072; 1000 Genomes Project 30x 0.00031; 1000 Genomes Project 0.00040.
gnomAD v4.1: 2,584 of 1,550,960 alleles (0.17%); highest among the groups gnomAD compares: Non-Finnish European, 0.21%; 6 homozygotes.

Submission:

CeGaT Center for Human Genetics Tuebingen
Classification: Likely benign. Last evaluated: 2023-01-01. Review status: criteria provided, single submitter. Criteria: CeGaT Center For Human Genetics Tuebingen Variant Classification Criteria Version 2. Collection method: clinical testing. Allele origin: germline. Affected: yes. Observed: 1 variant allele.
Comment: GARIN5B: BP4, BP7

NM_001145402.2(GARIN5B):c.933G>C (p.Val311=)

Gene: GARIN5B (golgi associated RAB2 interactor family member 5B; minus strand). Cytogenetic location: 19q13.42.
Variant type: single nucleotide variant.
Coding change: c.933G>C on transcript NM_001145402.2 (MANE Select); coding-DNA position 933, G replaced by C.
Protein change: p.Val311=; no amino-acid change (valine 311 retained).
Molecular consequence: synonymous variant.
Genome position (GRCh38, 1-based): chr19:55,359,935, C>G on the plus strand (G>C on the coding strand, the complement: GARIN5B is on the minus strand). VCF-style: chr19-55359935-C-G. GRCh37 (hg19) VCF-style: chr19-55871303-C-G.
Identifiers: ClinVar variation 2650522 (VCV002650522.24), dbSNP rs542617728, ClinGen allele CA9673972.